The following is an entry in ClinVar:

NM_000088.4(COL1A1):c.124C>A (p.Gln42Lys)

Gene: COL1A1 (collagen type I alpha 1 chain; minus strand). Cytogenetic location: 17q21.33.
Variant type: single nucleotide variant.
Coding change: c.124C>A on transcript NM_000088.4 (MANE Select); coding-DNA position 124, C replaced by A.
Protein change: p.Gln42Lys; replaces glutamine 42 with lysine.
Molecular consequence: missense variant.
Genome position (GRCh38, 1-based): chr17:50,199,927, G>T on the plus strand (C>A on the coding strand, the complement: COL1A1 is on the minus strand). VCF-style: chr17-50199927-G-T. GRCh37 (hg19) VCF-style: chr17-48277288-G-T.
Other names: short protein forms Q42K.
Identifiers: ClinVar variation 2443656 (VCV002443656.1), dbSNP rs1223061614, ClinGen allele CA400228663.

ClinVar aggregate classification (germline): Uncertain significance (1 of 4 stars; one submission).

Allele frequency attached by ClinVar (database versions not stated): gnomAD exomes below 0.00001.
gnomAD v4.1: 1 of 1,614,210 alleles (0.000062%); highest among the groups gnomAD compares: South Asian, 0.0011%; no homozygotes.

Submission:

GeneDx
Classification: Uncertain significance. Last evaluated: 2022-09-12. Review status: criteria provided, single submitter. Criteria: GeneDx Variant Classification Process June 2021. Collection method: clinical testing. Allele origin: germline. Affected: yes.
Comment: Not observed at significant frequency in large population cohorts (gnomAD); In silico analysis supports that this missense variant does not alter protein structure/function; In-silico analysis is inconclusive as to whether the variant alters gene splicing. In the absence of RNA/functional studies, the actual effect of this sequence change is unknown.; Not located in the triple helical region, where the majority of pathogenic missense variants occur (HGMD); Has not been previously published as pathogenic or benign to our knowledge